The following is an entry in ClinVar:

NM_001374736.1(DST):c.18381G>C (p.Lys6127Asn)

Gene: DST (dystonin; minus strand). Cytogenetic location: 6p12.1.
Variant type: single nucleotide variant.
Coding change: c.18381G>C on transcript NM_001374736.1 (MANE Select); coding-DNA position 18381, G replaced by C.
Protein change: p.Lys6127Asn; replaces lysine 6127 with asparagine.
Molecular consequence: missense variant.
Genome position (GRCh38, 1-based): chr6:56,515,645, C>G on the plus strand (G>C on the coding strand, the complement: DST is on the minus strand). VCF-style: chr6-56515645-C-G. GRCh37 (hg19) VCF-style: chr6-56380443-C-G.
Other names: c.12024G>C, p.Lys4008Asn (NM_001144769.5); c.11610G>C, p.Lys3870Asn (NM_001144770.2); c.18381G>C, p.Lys6127Asn (NM_001374722.1); c.17421G>C, p.Lys5807Asn (NM_001374729.1); c.11163G>C, p.Lys3721Asn (NM_001374730.1); c.18408G>C, p.Lys6136Asn (NM_001374734.1); c.11490G>C, p.Lys3830Asn (NM_001386100.1, NM_183380.4); c.10512G>C, p.Lys3504Asn (NM_015548.5); short protein forms K3870N, K4008N, K3504N, K5807N, K6127N, K3721N, K3830N, K6136N.
Identifiers: ClinVar variation 1477538 (VCV001477538.3), dbSNP rs2152486078, ClinGen allele CA364503549.
Genomic context (GRCh38, chr6:56,515,645, plus strand): 5'-CTGTGCCCGTTCCAGCTGCAGATACCTTTCTGAATTAATCTGGCAGATGGTATCATAGTT[C>G]TTCAGTACCTTGTCCAGTTTTTTCTAGAAAATAAAAGGATGAAATGTTTAACTGGTCAGG-3'
Protein context (NP_001361665.1, residues 6117-6137): SMKKKLDKVL[Lys6127Asn]NYDTICQINS

ClinVar aggregate classification (germline): Uncertain significance (1 of 4 stars; one submission).

Conditions:
Hereditary sensory and autonomic neuropathy type 6. Also called: HSAN VI; Neuropathy, hereditary sensory and autonomic, type VI. Identifiers: Orphanet 314381, MedGen C3539003, MONDO:0013839, OMIM 614653.
Epidermolysis bullosa simplex 3, localized or generalized intermediate, with BP230 deficiency (EBS3). Also called: Epidermolysis bullosa simplex, autosomal recessive 2; Epidermolysis bullosa simplex due to BP230 deficiency. Identifiers: Orphanet 412181, MedGen C3809470, MONDO:0014180, OMIM 615425.

gnomAD v4.1: 1 of 1,608,692 alleles (0.000062%); highest among the groups gnomAD compares: Non-Finnish European, 0.000085%; no homozygotes.

Submission:

Labcorp Genetics (formerly Invitae), Labcorp
Classification: Uncertain significance for Epidermolysis bullosa simplex 3, localized or generalized intermediate, with BP230 deficiency; Hereditary sensory and autonomic neuropathy type 6. Last evaluated: 2021-08-27. Review status: criteria provided, single submitter. Criteria: Invitae Variant Classification Sherloc (09022015). Collection method: clinical testing. Allele origin: germline.
Comment: This sequence change replaces lysine with asparagine at codon 3504 of the DST protein (p.Lys3504Asn). The DST gene has multiple clinically relevant transcripts. This variant occurs in alternate transcript NM_015548.4, and corresponds to NM_001723.5:c.*99872G>C in the primary transcript. This variant is not present in population databases (ExAC no frequency). This variant has not been reported in the literature in individuals affected with DST-related conditions. Experimental studies and prediction algorithms are not available or were not evaluated, and the functional significance of this variant is currently unknown. In summary, the available evidence is currently insufficient to determine the role of this variant in disease. Therefore, it has been classified as a Variant of Uncertain Significance.